The following is an entry in ClinVar:

ClinVar aggregate classification (germline): Likely benign (1 of 4 stars; one submission).

Submission:

Dasa
Classification: Likely benign. Last evaluated: 2025-11-24. Review status: criteria provided, single submitter. Criteria: DASA Assertion Criteria. Collection method: clinical testing. Allele origin: germline.
Comment: NM_007194.4(CHEK2):c.1543-527A>T is an intronic variant. The variant context is inconsistent with a known disease-causing mechanism. Computational prediction algorithms are consistent with a benign effect. Therefore, based on the currently available evidence, this variant is classified as likely benign.

NM_007194.4(CHEK2):c.1543-527A>T

Gene: CHEK2 (checkpoint kinase 2; minus strand). Cytogenetic location: 22q12.1.
Variant type: single nucleotide variant.
Coding change: c.1543-527A>T on transcript NM_007194.4 (MANE Select); 527 bases into the intron before coding-DNA position 1543, A replaced by T.
Molecular consequence: intron variant.
Genome position (GRCh38, 1-based): chr22:28,688,513, T>A on the plus strand (A>T on the coding strand, the complement: CHEK2 is on the minus strand). VCF-style: chr22-28688513-T-A. GRCh37 (hg19) VCF-style: chr22-29084501-T-A.
Other names: c.880-527A>T (NM_001437942.1, NM_001257387.3); c.1342-527A>T (NM_001349956.3); c.1456-527A>T (NM_145862.3); c.1549-527A>T (NM_001438295.1); c.1636-527A>T (NM_001438293.1); c.1585-527A>T (NM_001438294.1); c.1672-527A>T (NM_001005735.3).
Identifiers: ClinVar variation 4856947 (VCV004856947.2).
Genomic context (GRCh38, chr22:28,688,513, plus strand): 5'-CAGGTCAAAAGTTCGAGACAAGCCTGACCAACATGGCAAAACCCCATCTCACCTAAAAAT[T>A]CAAAAATTAGCTGGGCACAGTGGCGGACACCTGTAATCCCAGATACTCGGGAGACTGAGG-3'